The following is an entry in ClinVar:

ClinVar aggregate classification (germline): Uncertain significance (1 of 4 stars; one submission).

Conditions:
Autosomal recessive mendelian susceptibility to mycobacterial diseases due to complete RORgamma receptor deficiency. Also called: Immunodeficiency 42. Identifiers: Orphanet 477857, MedGen C5567647, MONDO:0014710, OMIM 616622.

Allele frequency attached by ClinVar (database versions not stated): gnomAD exomes below 0.00001.
gnomAD v4.1: 1 of 1,613,912 alleles (0.000062%); highest among the groups gnomAD compares: Non-Finnish European, 0.000085%; no homozygotes.

Submission:

Labcorp Genetics (formerly Invitae), Labcorp
Classification: Uncertain significance for Autosomal recessive mendelian susceptibility to mycobacterial diseases due to complete RORgamma receptor deficiency. Last evaluated: 2021-08-27. Review status: criteria provided, single submitter. Criteria: Invitae Variant Classification Sherloc (09022015). Collection method: clinical testing. Allele origin: germline.
Comment: This sequence change replaces histidine with tyrosine at codon 490 of the RORC protein (p.His490Tyr). The histidine residue is weakly conserved and there is a moderate physicochemical difference between histidine and tyrosine. This variant is not present in population databases (ExAC no frequency). This variant has not been reported in the literature in individuals affected with RORC-related conditions. Algorithms developed to predict the effect of missense changes on protein structure and function (SIFT, PolyPhen-2, Align-GVGD) all suggest that this variant is likely to be tolerated. In summary, the available evidence is currently insufficient to determine the role of this variant in disease. Therefore, it has been classified as a Variant of Uncertain Significance.

NM_005060.4(RORC):c.1468C>T (p.His490Tyr)

Gene: RORC (RAR related orphan receptor C; minus strand). Cytogenetic location: 1q21.3.
Variant type: single nucleotide variant.
Coding change: c.1468C>T on transcript NM_005060.4 (MANE Select); coding-DNA position 1468, C replaced by T.
Protein change: p.His490Tyr; replaces histidine 490 with tyrosine.
Molecular consequence: missense variant.
Genome position (GRCh38, 1-based): chr1:151,807,561, G>A on the plus strand (C>T on the coding strand, the complement: RORC is on the minus strand). VCF-style: chr1-151807561-G-A. GRCh37 (hg19) VCF-style: chr1-151780037-G-A.
Other names: c.1405C>T, p.His469Tyr (NM_001001523.2); short protein forms H469Y, H490Y.
Identifiers: ClinVar variation 1020582 (VCV001020582.6), dbSNP rs1323586530, ClinGen allele CA342008179.
Genomic context (GRCh38, chr1:151,807,561, plus strand): 5'-TTTCAGTGCTGAAGAGCTCCTTGTAGAGTGGAGGGAAAGCGGCTTGGACCACGATGGGGT[G>A]GAGGTGCTGGAAGATCTGCAGCCTTTCCACATGCTGGCTACACAGGCTCCGAAGCTTCCC-3'
Protein context (NP_005051.2, residues 480-500): VERLQIFQHL[His490Tyr]PIVVQAAFPP